The following is an entry in ClinVar:

ClinVar aggregate classification (germline): Likely benign (1 of 4 stars; one submission).

Conditions:
HTT-related disorder. Also called: HTT-related condition.

Allele frequency attached by ClinVar (database versions not stated): gnomAD exomes below 0.00001.
gnomAD v4.1: 1 of 1,614,198 alleles (0.000062%); highest among the groups gnomAD compares: Non-Finnish European, 0.000085%; no homozygotes.

Submission:

PreventionGenetics, part of Exact Sciences
Classification: Likely benign for HTT-related condition. Last evaluated: 2023-06-02. Review status: criteria provided, single submitter. Criteria: ACMG Guidelines, 2015. Collection method: clinical testing. Allele origin: germline.
Comment: This variant is classified as likely benign based on ACMG/AMP sequence variant interpretation guidelines (Richards et al. 2015 PMID: 25741868, with internal and published modifications).

NM_001388492.1(HTT):c.686C>T (p.Ala229Val)

Gene: HTT (huntingtin; plus strand). Cytogenetic location: 4p16.3.
Variant type: single nucleotide variant.
Coding change: c.686C>T on transcript NM_001388492.1 (MANE Select); coding-DNA position 686, C replaced by T.
Protein change: p.Ala229Val; replaces alanine 229 with valine.
Molecular consequence: missense variant.
Genome position (GRCh38, 1-based): chr4:3,107,362, C>T. VCF-style: chr4-3107362-C-T. GRCh37 (hg19) VCF-style: chr4-3109089-C-T.
Other names: c.692C>T, p.Ala231Val (NM_002111.8); short protein forms A229V, A231V.
Identifiers: ClinVar variation 3048422 (VCV003048422.1), dbSNP rs2475891286, ClinGen allele CA356063496.